The following is an entry in ClinVar:

NM_005343.4(HRAS):c.295C>G (p.Gln99Glu)

Genes: HRAS (HRas proto-oncogene, GTPase; minus strand), LRRC56 (leucine rich repeat containing 56; plus strand). Cytogenetic location: 11p15.5.
Variant type: single nucleotide variant.
Coding change: c.295C>G on transcript NM_005343.4 (MANE Select); coding-DNA position 295, C replaced by G.
Protein change: p.Gln99Glu; replaces glutamine 99 with glutamic acid.
Molecular consequence: missense variant. On other transcripts: 5 prime UTR variant (1).
Genome position (GRCh38, 1-based): chr11:533,608, G>C on the plus strand (C>G on the coding strand, the complement: HRAS is on the minus strand). VCF-style: chr11-533608-G-C. GRCh37 (hg19) VCF-style: chr11-533608-G-C.
Other names: c.295C>G, p.Gln99Glu (NM_001130442.3, NM_176795.5); c.-25C>G (NM_001318054.2); short protein forms Q99E.
Identifiers: ClinVar variation 966039 (VCV000966039.10), dbSNP rs1851251123, ClinGen allele CA378924041.

ClinVar aggregate classification (germline): Uncertain significance (1 of 4 stars; one submission).

Conditions:
Costello syndrome (CSTLO). Also called: FCS SYNDROME; HRAS-Related Costello Syndrome; FACIOCUTANEOSKELETAL SYNDROME. Identifiers: Orphanet 3071, MedGen C0587248, MONDO:0009026, OMIM 218040.

Submission:

Labcorp Genetics (formerly Invitae), Labcorp
Classification: Uncertain significance for Costello syndrome. Last evaluated: 2019-10-06. Review status: criteria provided, single submitter. Criteria: Invitae Variant Classification Sherloc (09022015). Collection method: clinical testing. Allele origin: germline.
Comment: In summary, the available evidence is currently insufficient to determine the role of this variant in disease. Therefore, it has been classified as a Variant of Uncertain Significance. This sequence change replaces glutamine with glutamic acid at codon 99 of the HRAS protein (p.Gln99Glu). The glutamine residue is highly conserved and there is a small physicochemical difference between glutamine and glutamic acid. This variant is not present in population databases (ExAC no frequency). This variant has not been reported in the literature in individuals with HRAS-related conditions. Algorithms developed to predict the effect of missense changes on protein structure and function are either unavailable or do not agree on the potential impact of this missense change (SIFT: "Deleterious"; PolyPhen-2: "Benign"; Align-GVGD: "Class C25").